The following is an entry in ClinVar:

NM_006258.4(PRKG1):c.1080T>C (p.Tyr360=)

Gene: PRKG1 (protein kinase cGMP-dependent 1; plus strand). Cytogenetic location: 10q21.1.
Variant type: single nucleotide variant.
Coding change: c.1080T>C on transcript NM_006258.4 (MANE Select); coding-DNA position 1080, T replaced by C.
Protein change: p.Tyr360=; no amino-acid change (tyrosine 360 retained).
Molecular consequence: synonymous variant.
Genome position (GRCh38, 1-based): chr10:52,251,573, T>C. VCF-style: chr10-52251573-T-C. GRCh37 (hg19) VCF-style: chr10-54011333-T-C.
Other names: p.Tyr360=; c.1080T>C, p.Tyr360= (LRG_1135t1); c.1035T>C, p.Tyr345= (LRG_1135t2, NM_001098512.3).
Identifiers: ClinVar variation 240639 (VCV000240639.30), dbSNP rs141218982, ClinGen allele CA5503754.

ClinVar aggregate classification (germline): Benign/Likely benign. Review status: criteria provided, multiple submitters, no conflicts (2 of 4 stars). 10 submissions from 10 submitters: Benign (9); Likely benign (1). Last evaluated 2026-01-31.

Conditions:
Aortic aneurysm, familial thoracic 8 (AAT8). Identifiers: MedGen C3809513, MONDO:0014187, OMIM 615436.
Familial thoracic aortic aneurysm and aortic dissection (TAAD). Also called: Thoracic aortic aneurysms and dissections. Identifiers: Orphanet 91387, MedGen C4707243, MONDO:0019625.

Allele frequency attached by ClinVar (database versions not stated): gnomAD exomes 0.00047 and 0.00142; ExAC 0.00180; gnomAD 0.00484 and 0.00519; TOPMed 0.00592; 1000 Genomes Project 0.00619; 1000 Genomes Project 30x 0.00625; ESP Exome Variant Server 0.00630.
gnomAD v4.1: 1,475 of 1,613,344 alleles (0.091%); highest among the groups gnomAD compares: African/African-American, 1.6%; 10 homozygotes.

Submissions (10):

Labcorp Genetics (formerly Invitae), Labcorp
Classification: Benign for Aortic aneurysm, familial thoracic 8. Last evaluated: 2026-01-31. Review status: criteria provided, single submitter. Criteria: Invitae Variant Classification Sherloc (09022015). Collection method: clinical testing. Allele origin: germline.

ARUP Laboratories, Molecular Genetics and Genomics, ARUP Laboratories
Classification: Benign for Aortic aneurysm, familial thoracic 8. Last evaluated: 2025-03-27. Review status: criteria provided, single submitter. Criteria: ARUP Molecular Germline Variant Investigation Process 2024. Collection method: clinical testing. Allele origin: germline.

Blueprint Genetics
Classification: Likely benign. Last evaluated: 2024-07-05. Review status: criteria provided, single submitter. Criteria: ACMG Guidelines, 2015. Collection method: clinical testing. Allele origin: germline.

Women's Health and Genetics/Laboratory Corporation of America, LabCorp
Classification: Benign. Last evaluated: 2023-07-21. Review status: criteria provided, single submitter. Criteria: LabCorp Variant Classification Summary - May 2015. Collection method: clinical testing. Allele origin: germline.

Mayo Clinic Laboratories, Mayo Clinic
Classification: Benign. Last evaluated: 2022-12-06. Review status: criteria provided, single submitter. Criteria: ACMG Guidelines, 2015. Collection method: clinical testing. Allele origin: germline. Observed: 7 variant alleles.
Comment: BS1, BS2, BP4, BP7

CHEO Genetics Diagnostic Laboratory, Children's Hospital of Eastern Ontario
Classification: Benign for Familial thoracic aortic aneurysm and aortic dissection. Last evaluated: 2022-12-01. Review status: criteria provided, single submitter. Criteria: ACMG Guidelines, 2015. Collection method: clinical testing. Allele origin: germline.

Fulgent Genetics
Classification: Benign for Aortic aneurysm, familial thoracic 8. Last evaluated: 2021-09-15. Review status: criteria provided, single submitter. Criteria: ACMG Guidelines, 2015. Collection method: clinical testing. Allele origin: unknown.

GeneDx
Classification: Benign. Last evaluated: 2016-11-15. Review status: criteria provided, single submitter. Criteria: GeneDx Variant Classification (06012015). Collection method: clinical testing. Allele origin: germline. Affected: yes.
Comment: This variant is considered likely benign or benign based on one or more of the following criteria: it is a conservative change, it occurs at a poorly conserved position in the protein, it is predicted to be benign by multiple in silico algorithms, and/or has population frequency not consistent with disease.

Ambry Genetics
Classification: Benign for Familial thoracic aortic aneurysm and aortic dissection. Last evaluated: 2015-09-06. Review status: criteria provided, single submitter. Criteria: Ambry Variant Classification Scheme 2023. Collection method: clinical testing. Allele origin: germline.

Breakthrough Genomics
Classification: Benign. Review status: criteria provided, single submitter. Criteria: ACMG Guidelines, 2015. Collection method: not provided. Allele origin: germline. Inheritance: Autosomal dominant inheritance. Affected: yes.